The following is an entry in ClinVar:

NM_001374736.1(DST):c.1969A>G (p.Ile657Val)

Gene: DST (dystonin; minus strand). Cytogenetic location: 6p12.1.
Variant type: single nucleotide variant.
Coding change: c.1969A>G on transcript NM_001374736.1 (MANE Select); coding-DNA position 1969, A replaced by G.
Protein change: p.Ile657Val; replaces isoleucine 657 with valine.
Molecular consequence: missense variant.
Genome position (GRCh38, 1-based): chr6:56,642,005, T>C on the plus strand (A>G on the coding strand, the complement: DST is on the minus strand). VCF-style: chr6-56642005-T-C. GRCh37 (hg19) VCF-style: chr6-56506803-T-C.
Other names: c.1870A>G, p.Ile624Val (NM_001144769.5); c.1456A>G, p.Ile486Val (NM_001144770.2); c.1969A>G, p.Ile657Val (NM_001374722.1); c.1336A>G, p.Ile446Val (NM_001374729.1, NM_001374730.1, NM_001386100.1 and 1 more transcripts); c.1996A>G, p.Ile666Val (NM_001374734.1); c.358A>G, p.Ile120Val (NM_001723.7, NM_015548.5); short protein forms I120V, I446V, I486V, I624V, I657V, I666V.
Identifiers: ClinVar variation 1016607 (VCV001016607.7), dbSNP rs1459416157, ClinGen allele CA364614940.

ClinVar aggregate classification (germline): Uncertain significance (1 of 4 stars; one submission).

Conditions:
Hereditary sensory and autonomic neuropathy type 6. Also called: HSAN VI; Neuropathy, hereditary sensory and autonomic, type VI. Identifiers: Orphanet 314381, MedGen C3539003, MONDO:0013839, OMIM 614653.
Epidermolysis bullosa simplex 3, localized or generalized intermediate, with BP230 deficiency (EBS3). Also called: Epidermolysis bullosa simplex, autosomal recessive 2; Epidermolysis bullosa simplex due to BP230 deficiency. Identifiers: Orphanet 412181, MedGen C3809470, MONDO:0014180, OMIM 615425.

Allele frequency attached by ClinVar (database versions not stated): gnomAD 0.00001; TOPMed 0.00001.
gnomAD v4.1: 1 of 1,613,350 alleles (0.000062%); highest among the groups gnomAD compares: Non-Finnish European, 0.000085%; no homozygotes.

Submission:

Labcorp Genetics (formerly Invitae), Labcorp
Classification: Uncertain significance for Epidermolysis bullosa simplex 3, localized or generalized intermediate, with BP230 deficiency; Hereditary sensory and autonomic neuropathy type 6. Last evaluated: 2020-08-17. Review status: criteria provided, single submitter. Criteria: Invitae Variant Classification Sherloc (09022015). Collection method: clinical testing. Allele origin: germline.
Comment: This sequence change replaces isoleucine with valine at codon 120 of the DST protein (p.Ile120Val). The isoleucine residue is highly conserved and there is a small physicochemical difference between isoleucine and valine. This variant is not present in population databases (ExAC no frequency). In summary, the available evidence is currently insufficient to determine the role of this variant in disease. Therefore, it has been classified as a Variant of Uncertain Significance. This variant has not been reported in the literature in individuals with DST-related conditions. Algorithms developed to predict the effect of missense changes on protein structure and function are either unavailable or do not agree on the potential impact of this missense change (SIFT: "Deleterious"; PolyPhen-2: "Benign"; Align-GVGD: "Class C25").